The following is an entry in ClinVar:

NM_000138.5(FBN1):c.2050_2054dup (p.Ala686fs)

Gene: FBN1 (fibrillin 1; minus strand). Cytogenetic location: 15q21.1.
Variant type: Duplication.
Coding change: c.2050_2054dup on transcript NM_000138.5 (MANE Select); coding-DNA positions 2050 to 2054, 5 bases duplicated (TGTTG; older notation c.2050_2054dupTGTTG).
Protein change: p.Ala686fs; shifts the reading frame from alanine 686.
Molecular consequence: frameshift variant.
Genome position (GRCh38, 1-based): chr15:48,503,846-48,503,850, CAACA duplicated on the plus strand (TGTTG on the coding strand, the reverse complement: FBN1 is on the minus strand). VCF-style (leftmost placement, unchanged base first): chr15-48503845-G-GCAACA. GRCh37 (hg19) VCF-style: chr15-48796042-G-GCAACA.
Other names: c.2050_2054dupTGTTG (NM_000138.4); short protein forms A686fs.
Identifiers: ClinVar variation 423245 (VCV000423245.2), dbSNP rs1555399762, ClinGen allele CA16619971.

ClinVar aggregate classification (germline): Pathogenic (1 of 4 stars; one submission).

Submission:

GeneDx
Classification: Pathogenic. Last evaluated: 2017-01-31. Review status: criteria provided, single submitter. Criteria: GeneDx Variant Classification (06012015). Collection method: clinical testing. Allele origin: germline. Affected: yes.
Comment: Although the c.2050_2054dupTGTTG pathogenic variant in the FBN1 gene has not been reported to our knowledge, this variant causes a shift in reading frame starting at codon alanine 686, changing it to a valine, and creating a premature stop codon at position 34 of the new reading frame, denoted p.Ala686ValfsX34. This pathogenic variant is expected to result in either an abnormal, truncated protein product or loss of protein from this allele through nonsense-mediated mRNA decay. Other frameshift variants in the FBN1 gene have been reported in Human Gene Mutation Database in association with FBN1-related disorders (Stenson et al., 2014), indicating that loss of function is a mechanism of disease for this gene. Furthermore, the c.2050_2054dupTGTTG variant has not been observed in large population cohorts (Lek et al., 2016; Exome Variant Server).